The following is an entry in ClinVar:

NM_001378454.1(ALMS1):c.4136C>T (p.Thr1379Ile)

Gene: ALMS1 (ALMS1 centrosome and basal body associated protein; plus strand). Cytogenetic location: 2p13.1.
Variant type: single nucleotide variant.
Coding change: c.4136C>T on transcript NM_001378454.1 (MANE Select); coding-DNA position 4136, C replaced by T.
Protein change: p.Thr1379Ile; replaces threonine 1379 with isoleucine.
Molecular consequence: missense variant.
Genome position (GRCh38, 1-based): chr2:73,450,663, C>T. VCF-style: chr2-73450663-C-T. GRCh37 (hg19) VCF-style: chr2-73677790-C-T.
Other names: c.4139C>T, p.Thr1380Ile (NM_015120.4); short protein forms T1379I, T1380I.
Identifiers: ClinVar variation 1904166 (VCV001904166.2), dbSNP rs999830347, ClinGen allele CA50393154.

ClinVar aggregate classification (germline): Uncertain significance (1 of 4 stars; one submission).

Conditions:
Alstrom syndrome (ALMS). Identifiers: Orphanet 64, MedGen C0268425, MONDO:0008763, OMIM 203800.

Allele frequency attached by ClinVar (database versions not stated): gnomAD 0.00001; TOPMed 0.00001.
gnomAD v4.1: 2 of 1,613,630 alleles (0.00012%); highest among the groups gnomAD compares: Non-Finnish European, 0.00017%; no homozygotes.

Submission:

Labcorp Genetics (formerly Invitae), Labcorp
Classification: Uncertain significance for Alstrom syndrome. Last evaluated: 2022-07-20. Review status: criteria provided, single submitter. Criteria: Invitae Variant Classification Sherloc (09022015). Collection method: clinical testing. Allele origin: germline.
Comment: This sequence change replaces threonine, which is neutral and polar, with isoleucine, which is neutral and non-polar, at codon 1380 of the ALMS1 protein (p.Thr1380Ile). This variant is not present in population databases (gnomAD no frequency). This variant has not been reported in the literature in individuals affected with ALMS1-related conditions. Experimental studies and prediction algorithms are not available or were not evaluated, and the functional significance of this variant is currently unknown. In summary, the available evidence is currently insufficient to determine the role of this variant in disease. Therefore, it has been classified as a Variant of Uncertain Significance.